The following is an entry in ClinVar:

ClinVar aggregate classification (germline): Conflicting classifications of pathogenicity. Review status: criteria provided, conflicting classifications (1 of 4 stars). 4 submissions from 4 submitters: Uncertain significance (1); Benign (1); Likely benign (1). 1 of the submissions does not count toward it. Last evaluated 2026-02-01.

Conditions:
CRB2-related disorder. Also called: CRB2-related condition; CRB2-related disorders.

Allele frequency attached by ClinVar (database versions not stated): gnomAD exomes 0.00007 and 0.00029; ExAC 0.00018; gnomAD 0.00021 and 0.00024; ESP Exome Variant Server 0.00023; TOPMed 0.00028.
gnomAD v4.1: 205 of 1,613,366 alleles (0.013%); highest among the groups gnomAD compares: East Asian, 0.14%; 1 homozygote.

Submissions (4):

Labcorp Genetics (formerly Invitae), Labcorp
Classification: Benign. Last evaluated: 2026-02-01. Review status: criteria provided, single submitter. Criteria: Invitae Variant Classification Sherloc (09022015). Collection method: clinical testing. Allele origin: germline.

GeneDx
Classification: Uncertain significance. Last evaluated: 2025-11-19. Review status: criteria provided, single submitter. Criteria: GeneDx Variant Classification Process June 2021. Collection method: clinical testing. Allele origin: germline. Affected: yes.
Comment: In silico analysis supports that this missense variant has a deleterious effect on protein structure/function; Has not been previously published as pathogenic or benign to our knowledge

Blueprint Genetics
Classification: Likely benign. Last evaluated: 2024-11-06. Review status: criteria provided, single submitter. Criteria: ACMG Guidelines, 2015. Collection method: clinical testing. Allele origin: germline.

PreventionGenetics, part of Exact Sciences
Classification: Likely benign for CRB2-related condition. Last evaluated: 2022-04-28. Review status: no assertion criteria provided. Collection method: clinical testing. Allele origin: germline. Not counted in ClinVar's aggregate classification.
Comment: This variant is classified as likely benign based on ACMG/AMP sequence variant interpretation guidelines (Richards et al. 2015 PMID: 25741868, with internal and published modifications).

NM_173689.7(CRB2):c.1429C>T (p.Arg477Cys)

Gene: CRB2 (crumbs cell polarity complex component 2; plus strand). Cytogenetic location: 9q33.3.
Variant type: single nucleotide variant.
Coding change: c.1429C>T on transcript NM_173689.7 (MANE Select); coding-DNA position 1429, C replaced by T.
Protein change: p.Arg477Cys; replaces arginine 477 with cysteine.
Molecular consequence: missense variant. On other transcripts: non-coding transcript variant (1).
Genome position (GRCh38, 1-based): chr9:123,370,482, C>T. VCF-style: chr9-123370482-C-T. GRCh37 (hg19) VCF-style: chr9-126132761-C-T.
Other names: short protein forms R477C.
Identifiers: ClinVar variation 1053694 (VCV001053694.13), dbSNP rs146271715, ClinGen allele CA5231974.